The following is an entry in ClinVar:

NM_002432.3(MNDA):c.596A>T (p.Gln199Leu)

Gene: MNDA (myeloid cell nuclear differentiation antigen; plus strand). Cytogenetic location: 1q23.1.
Variant type: single nucleotide variant.
Coding change: c.596A>T on transcript NM_002432.3 (MANE Select); coding-DNA position 596, A replaced by T.
Protein change: p.Gln199Leu; replaces glutamine 199 with leucine.
Molecular consequence: missense variant.
Genome position (GRCh38, 1-based): chr1:158,845,612, A>T. VCF-style: chr1-158845612-A-T. GRCh37 (hg19) VCF-style: chr1-158815402-A-T.
Other names: short protein forms Q199L.
Identifiers: ClinVar variation 1750768 (VCV001750768.2), dbSNP rs2526087018, ClinGen allele CA343040702.
Genomic context (GRCh38, chr1:158,845,612, plus strand): 5'-TTTTAAGTTTATTTTCTTGTGTCTGCCCAACACAGAATCAGGAAACCCAGGCCCAACGGC[A>T]GGTGGATGCAAGAAGAAATGTTCCCCAAAACGACCCAGTGACAGTGGTGGTACTGAAAGC-3'
Protein context (NP_002423.1, residues 189-209): TPNQETQAQR[Gln199Leu]VDARRNVPQN

ClinVar aggregate classification (germline): Uncertain significance (1 of 4 stars; one submission).

Submission:

Ambry Genetics
Classification: Uncertain significance. Last evaluated: 2021-12-03. Review status: criteria provided, single submitter. Criteria: Ambry Variant Classification Scheme 2023. Collection method: clinical testing. Allele origin: germline.
Comment: The p.Q199L variant (also known as c.596A>T), located in coding exon 4 of the MNDA gene, results from an A to T substitution at nucleotide position 596. The glutamine at codon 199 is replaced by leucine, an amino acid with dissimilar properties. This amino acid position is conserved. In addition, this alteration is predicted to be tolerated by in silico analysis. Since supporting evidence is limited at this time, the clinical significance of this alteration remains unclear.